The following is an entry in ClinVar:

NM_001848.3(COL6A1):c.2875G>A (p.Val959Met)

Gene: COL6A1 (collagen type VI alpha 1 chain; plus strand). Cytogenetic location: 21q22.3.
Variant type: single nucleotide variant.
Coding change: c.2875G>A on transcript NM_001848.3 (MANE Select); coding-DNA position 2875, G replaced by A.
Protein change: p.Val959Met; replaces valine 959 with methionine.
Molecular consequence: missense variant.
Genome position (GRCh38, 1-based): chr21:46,003,801, G>A. VCF-style: chr21-46003801-G-A. GRCh37 (hg19) VCF-style: chr21-47423715-G-A.
Other names: p.Val959Met; short protein forms V959M.
Identifiers: ClinVar variation 283460 (VCV000283460.25), dbSNP rs200959957, ClinGen allele CA10071058.

ClinVar aggregate classification (germline): Conflicting classifications of pathogenicity. Review status: criteria provided, conflicting classifications (1 of 4 stars). 6 submissions from 6 submitters: Uncertain significance (4); Likely benign (2). Last evaluated 2025-11-01.

Conditions:
Collagen 6-related myopathy. Identifiers: MedGen CN117976, MONDO:0100225.
Bethlem myopathy 1A. Also called: Bethlem myopathy 1; MYOPATHY, BENIGN CONGENITAL, WITH CONTRACTURES; Bethlem Muscular Dystrophy. Identifiers: Orphanet 610, MedGen CN029274, MONDO:0024530, OMIM 158810.

Allele frequency attached by ClinVar (database versions not stated): gnomAD exomes 0.00007; ESP Exome Variant Server 0.00008; ExAC 0.00009; TOPMed 0.00011; gnomAD 0.00014; 1000 Genomes Project 30x 0.00016; 1000 Genomes Project 0.00020.
gnomAD v4.1: 233 of 1,608,978 alleles (0.014%); highest among the groups gnomAD compares: Non-Finnish European, 0.016%; no homozygotes.

Submissions (6):

CeGaT Center for Human Genetics Tuebingen
Classification: Uncertain significance. Last evaluated: 2025-11-01. Review status: criteria provided, single submitter. Criteria: CeGaT Center For Human Genetics Tuebingen Variant Classification Criteria Version 2. Collection method: clinical testing. Allele origin: germline. Affected: yes. Observed: 1 variant allele.
Comment: COL6A1: PM2

Labcorp Genetics (formerly Invitae), Labcorp
Classification: Likely benign for Bethlem myopathy 1A. Last evaluated: 2025-02-08. Review status: criteria provided, single submitter. Criteria: Invitae Variant Classification Sherloc (09022015). Collection method: clinical testing. Allele origin: germline.

Mayo Clinic Laboratories, Mayo Clinic
Classification: Uncertain significance. Last evaluated: 2023-07-28. Review status: criteria provided, single submitter. Criteria: ACMG Guidelines, 2015. Collection method: clinical testing. Allele origin: germline. Observed: 1 variant allele.

Revvity Omics, Revvity
Classification: Uncertain significance. Last evaluated: 2020-06-05. Review status: criteria provided, single submitter. Criteria: ACMG Guidelines, 2015. Collection method: clinical testing. Allele origin: germline.

Illumina Laboratory Services, Illumina
Classification: Likely benign for Collagen VI-related myopathy. Last evaluated: 2018-01-13. Review status: criteria provided, single submitter. Criteria: ICSL Variant Classification Criteria 13 December 2019. Collection method: clinical testing. Allele origin: germline.
Comment: This variant was observed in the ICSL laboratory as part of a predisposition screen in an ostensibly healthy population. It had not been previously curated by ICSL or reported in the Human Gene Mutation Database (HGMD: prior to June 1st, 2018), and was therefore a candidate for classification through an automated scoring system. Utilizing variant allele frequency, disease prevalence and penetrance estimates, and inheritance mode, an automated score was calculated to assess if this variant is too frequent to cause the disease. Based on the score and internal cut-off values, a variant classified as likely benign is not then subjected to further curation. The score for this variant resulted in a classification of likely benign for this disease.

Eurofins Ntd Llc (ga)
Classification: Uncertain significance. Last evaluated: 2017-01-04. Review status: criteria provided, single submitter. Criteria: EGL Classification Definitions 2015. Collection method: clinical testing. Allele origin: germline. Observed: 3 variant alleles, 3 heterozygotes.